The following is an entry in ClinVar:

ClinVar aggregate classification (germline): Uncertain significance (1 of 4 stars; one submission).

Submission:

Labcorp Genetics (formerly Invitae), Labcorp
Classification: Uncertain significance. Last evaluated: 2025-06-12. Review status: criteria provided, single submitter. Criteria: Invitae Variant Classification Sherloc (09022015). Collection method: clinical testing. Allele origin: germline.
Comment: This sequence change replaces arginine, which is basic and polar, with serine, which is neutral and polar, at codon 1643 of the COL4A3 protein (p.Arg1643Ser). This variant is not present in population databases (gnomAD no frequency). This variant has not been reported in the literature in individuals affected with COL4A3-related conditions. ClinVar contains an entry for this variant (Variation ID: 1718324). Experimental studies and prediction algorithms are not available or were not evaluated, and the functional significance of this variant is currently unknown. Algorithms developed to predict the effect of sequence changes on RNA splicing suggest that this variant may disrupt the consensus splice site. In summary, the available evidence is currently insufficient to determine the role of this variant in disease. Therefore, it has been classified as a Variant of Uncertain Significance.

NM_000091.5(COL4A3):c.4929A>T (p.Arg1643Ser)

Genes: COL4A3 (collagen type IV alpha 3 chain; plus strand), MFF-DT (MFF divergent transcript; minus strand). Cytogenetic location: 2q36.3.
Variant type: single nucleotide variant.
Coding change: c.4929A>T on transcript NM_000091.5 (MANE Select); coding-DNA position 4929, A replaced by T.
Protein change: p.Arg1643Ser; replaces arginine 1643 with serine.
Molecular consequence: missense variant.
Genome position (GRCh38, 1-based): chr2:227,311,786, A>T. VCF-style: chr2-227311786-A-T. GRCh37 (hg19) VCF-style: chr2-228176502-A-T.
Other names: short protein forms R1643S.
Identifiers: ClinVar variation 1718324 (VCV001718324.5), dbSNP rs2469950087, ClinGen allele CA350866703.